The following is an entry in ClinVar:

NM_000090.4(COL3A1):c.2914G>A (p.Gly972Ser)

Gene: COL3A1 (collagen type III alpha 1 chain; plus strand). Cytogenetic location: 2q32.2.
Variant type: single nucleotide variant.
Coding change: c.2914G>A on transcript NM_000090.4 (MANE Select); coding-DNA position 2914, G replaced by A.
Protein change: p.Gly972Ser; replaces glycine 972 with serine.
Molecular consequence: missense variant.
Genome position (GRCh38, 1-based): chr2:189,004,347, G>A. VCF-style: chr2-189004347-G-A. GRCh37 (hg19) VCF-style: chr2-189869073-G-A.
Identifiers: ClinVar variation 101496 (VCV000101496.2), dbSNP rs587779723, ClinGen allele CA005842.

ClinVar aggregate classification (germline): Likely pathogenic. Review status: criteria provided, single submitter (1 of 4 stars). 2 submissions from 2 submitters: Likely pathogenic (1). 1 of the submissions does not count toward it. Last evaluated 2016-10-24.

Conditions:
Ehlers-Danlos syndrome, type 4 (EDSVASC). Also called: Ehlers-Danlos syndrome vascular type; Ehlers Danlos syndrome, ecchymotic type; Ehlers Danlos syndrome, arterial type; Ehlers Danlos syndrome, Sack-Barabas type; Ehlers-Danlos Syndrome Type IV. Identifiers: Orphanet 286, MedGen C0268338, MONDO:0017314, OMIM 130050.

Submissions (2):

Women's Health and Genetics/Laboratory Corporation of America, LabCorp
Classification: Likely pathogenic for Ehlers-Danlos syndrome, type 4. Last evaluated: 2016-10-24. Review status: criteria provided, single submitter. Criteria: LabCorp Variant Classification Summary - May 2015. Collection method: clinical testing. Allele origin: germline.
Comment: Variant summary: The COL3A1 c.2914G>A (p.Gly972Ser) variant located in the collagen triple helix repeat domain, which alters a Glycine, which is critical for protein function with 5/5 in silico tools predict a damaging outcome, although these predictions have yet to be functionally assessed. The variant of interest has not been observed in controls (ExAC, 1000 Gs, or ESP) and has been reported in one affected individual. In addition, a clinical diagnostic laboratory cites the variant as "pathogenic." Therefore, taking all available lines of evidence into consideration, the variant of interest has been classified as Likely Pathogenic.

Collagen Diagnostic Laboratory, University of Washington
Classification: Pathogenic for Ehlers-Danlos syndrome, type 4. Review status: no assertion criteria provided. Collection method: clinical testing. Allele origin: germline. Affected: yes. Not counted in ClinVar's aggregate classification.

Literature cited by the submitters: PubMed 24922459 (cited by Women's Health and Genetics/Laboratory Corporation of America, LabCorp).